The following is an entry in ClinVar:

NM_000492.4(CFTR):c.3517G>A (p.Gly1173Ser)

Genes: CFTR-AS2 (CFTR antisense RNA 2; minus strand), CFTR (CF transmembrane conductance regulator; plus strand). Cytogenetic location: 7q31.2.
Variant type: single nucleotide variant.
Coding change: c.3517G>A on transcript NM_000492.4 (MANE Select); coding-DNA position 3517, G replaced by A.
Protein change: p.Gly1173Ser; replaces glycine 1173 with serine.
Molecular consequence: missense variant.
Genome position (GRCh38, 1-based): chr7:117,627,570, G>A. VCF-style: chr7-117627570-G-A. GRCh37 (hg19) VCF-style: chr7-117267624-G-A.
Other names: p.Gly1173Ser; short protein forms G1173S.
Identifiers: ClinVar variation 497599 (VCV000497599.19), dbSNP rs368393738, ClinGen allele CA4451489.

ClinVar aggregate classification (germline): Conflicting classifications of pathogenicity. Review status: criteria provided, conflicting classifications (1 of 4 stars). 9 submissions from 9 submitters: Uncertain significance (7); Likely benign (1). 1 of the submissions does not count toward it. Last evaluated 2026-04-29.

Conditions:
CFTR-related disorder (CFTR-RD). Also called: CFTR-related disorders; CFTR-related condition. Identifiers: MedGen C5924204, MONDO:7770004.
Cystic fibrosis (CF). Also called: MUCOVISCIDOSIS. Identifiers: Orphanet 586, MedGen C0010674, MONDO:0009061, OMIM 219700. Disease mechanism: loss of function.
Bronchiectasis with or without elevated sweat chloride 1 (BESC1). Also called: Cystic Fibrosis-Like Syndrome. Identifiers: Orphanet 60033, MedGen C2749757, MONDO:0008887, OMIM 211400.
Congenital bilateral aplasia of vas deferens from CFTR mutation (CBAVD). Identifiers: Orphanet 48, MedGen C0403814, MONDO:0010178, OMIM 277180. Disease mechanism: loss of function.
Hereditary pancreatitis (PCTT). Also called: PRSS1-Related Hereditary Pancreatitis; Hereditary chronic pancreatitis. Identifiers: Orphanet 676, MedGen C0238339, MONDO:0008185, OMIM 167800.

Allele frequency attached by ClinVar (database versions not stated): gnomAD exomes 0.00004 and 0.00001; ExAC 0.00005; gnomAD 0.00007 and 0.00006; 1000 Genomes Project 30x 0.00047; 1000 Genomes Project 0.00040; TOPMed 0.00005; ESP Exome Variant Server 0.00015.
gnomAD v4.1: 29 of 1,613,284 alleles (0.0018%); highest among the groups gnomAD compares: African/African-American, 0.024%; no homozygotes.

Submissions (9):

Women's Health and Genetics/Laboratory Corporation of America, LabCorp
Classification: Uncertain significance. Last evaluated: 2026-04-29. Review status: criteria provided, single submitter. Criteria: LabCorp Variant Classification Summary - May 2015. Collection method: clinical testing. Allele origin: germline.
Comment: Variant summary: CFTR c.3517G>A (p.Gly1173Ser) results in a non-conservative amino acid change in the encoded protein sequence. Algorithms developed to predict the effect of missense changes on protein structure and function are either unavailable or do not agree on the potential impact of this missense change. The variant allele was found at a frequency of 3.6e-05 in 250710 control chromosomes. The available data on variant occurrences in the general population are insufficient to allow any conclusion about variant significance. To our knowledge, no occurrence of c.3517G>A in individuals affected with CFTR-related conditions has been reported. At least one publication reports experimental evidence evaluating an impact on protein function. The most pronounced variant effect results in 73% of normal activity (Bihler_2024). The following publication has been ascertained in the context of this evaluation (PMID: 38388235). ClinVar contains an entry for this variant (Variation ID: 497599). Based on the evidence outlined above, the variant was classified as uncertain significance.

GeneDx
Classification: Uncertain significance. Last evaluated: 2024-05-12. Review status: criteria provided, single submitter. Criteria: GeneDx Variant Classification Process June 2021. Collection method: clinical testing. Allele origin: germline. Affected: yes.
Comment: In silico analysis indicates that this missense variant does not alter protein structure/function; Identified with a second CFTR variant in cis in an individual identified by newborn screening and later determined to be a CFTR carrier (PMID: 23810505); This variant is associated with the following publications: (PMID: 33946859, 38388235, 23810505)

Labcorp Genetics (formerly Invitae), Labcorp
Classification: Uncertain significance for Cystic fibrosis. Last evaluated: 2022-08-23. Review status: criteria provided, single submitter. Criteria: Invitae Variant Classification Sherloc (09022015). Collection method: clinical testing. Allele origin: germline.
Comment: This sequence change replaces glycine, which is neutral and non-polar, with serine, which is neutral and polar, at codon 1173 of the CFTR protein (p.Gly1173Ser). This variant is present in population databases (rs368393738, gnomAD 0.05%). This missense change has been observed in individual(s) with clinical features of CFTR-related conditions (PMID: 23810505). ClinVar contains an entry for this variant (Variation ID: 497599). Algorithms developed to predict the effect of missense changes on protein structure and function output the following: SIFT: "Tolerated"; PolyPhen-2: "Benign"; Align-GVGD: "Class C0". The serine amino acid residue is found in multiple mammalian species, which suggests that this missense change does not adversely affect protein function. Algorithms developed to predict the effect of sequence changes on RNA splicing suggest that this variant may disrupt the consensus splice site. In summary, the available evidence is currently insufficient to determine the role of this variant in disease. Therefore, it has been classified as a Variant of Uncertain Significance.

Mayo Clinic Laboratories, Mayo Clinic
Classification: Uncertain significance. Last evaluated: 2022-07-27. Review status: criteria provided, single submitter. Criteria: ACMG Guidelines, 2015. Collection method: clinical testing. Allele origin: germline. Observed: 2 variant alleles.

Fulgent Genetics
Classification: Uncertain significance for Hereditary pancreatitis; Bronchiectasis with or without elevated sweat chloride 1; Cystic fibrosis; Congenital bilateral aplasia of vas deferens from CFTR mutation. Last evaluated: 2022-03-02. Review status: criteria provided, single submitter. Criteria: ACMG Guidelines, 2015. Collection method: clinical testing. Allele origin: unknown.

Genome-Nilou Lab
Classification: Uncertain significance for Cystic fibrosis. Last evaluated: 2021-09-05. Review status: criteria provided, single submitter. Criteria: ACMG Guidelines, 2015. Collection method: clinical testing. Allele origin: germline. Affected: no.

Ambry Genetics
Classification: Likely benign for Cystic fibrosis. Last evaluated: 2021-03-10. Review status: criteria provided, single submitter. Criteria: Ambry Variant Classification Scheme 2023. Collection method: clinical testing. Allele origin: germline.

Eurofins Ntd Llc (ga)
Classification: Uncertain significance. Last evaluated: 2016-09-26. Review status: criteria provided, single submitter. Criteria: EGL Classification Definitions 2015. Collection method: clinical testing. Allele origin: germline. Observed: 1 variant allele, 1 heterozygote.

Natera, Inc.
Classification: Uncertain significance for CFTR-related disorders. Last evaluated: 2018-05-12. Review status: no assertion criteria provided. Collection method: clinical testing. Allele origin: germline. Not counted in ClinVar's aggregate classification.

Literature cited by the submitters: PubMed 23810505 (cited by 3 submitters); PubMed 38388235 (cited by Women's Health and Genetics/Laboratory Corporation of America, LabCorp).